The following is an entry in ClinVar:

NM_020207.7(ERCC6L2):c.895C>G (p.Leu299Val)

Gene: ERCC6L2 (ERCC excision repair 6 like 2; plus strand). Cytogenetic location: 9q22.32.
Variant type: single nucleotide variant.
Coding change: c.895C>G on transcript NM_020207.7 (MANE Select); coding-DNA position 895, C replaced by G.
Protein change: p.Leu299Val; replaces leucine 299 with valine.
Molecular consequence: missense variant. On other transcripts: non-coding transcript variant (1).
Genome position (GRCh38, 1-based): chr9:95,915,774, C>G. VCF-style: chr9-95915774-C-G. GRCh37 (hg19) VCF-style: chr9-98678056-C-G.
Other names: c.895C>G, p.Leu299Val (NM_001375293.1, NM_001375294.1, NM_001010895.4 and 2 more transcripts); short protein forms L299V.
Identifiers: ClinVar variation 4618750 (VCV004618750.1).

ClinVar aggregate classification (germline): Uncertain significance (1 of 4 stars; one submission).

Conditions:
Inborn genetic diseases. Identifiers: MedGen C0950123, MeSH D030342.

gnomAD v4.1: 1 of 1,613,832 alleles (0.000062%); highest among the groups gnomAD compares: South Asian, 0.0011%; no homozygotes.

Submission:

Ambry Genetics
Classification: Uncertain significance for Inborn genetic diseases. Last evaluated: 2025-11-03. Review status: criteria provided, single submitter. Criteria: Ambry Variant Classification Scheme 2023. Collection method: clinical testing. Allele origin: germline.
Comment: The p.L299V variant (also known as c.895C>G), located in coding exon 5 of the ERCC6L2 gene, results from a C to G substitution at nucleotide position 895. The leucine at codon 299 is replaced by valine, an amino acid with highly similar properties. This amino acid position is conserved. In addition, this alteration is predicted to be deleterious by in silico analysis. Based on the available evidence, the clinical significance of this variant remains unclear.